The following is an entry in ClinVar:

NM_000111.3(SLC26A3):c.170T>C (p.Leu57Ser)

Gene: SLC26A3 (solute carrier family 26 member 3; minus strand). Cytogenetic location: 7q22.3.
Variant type: single nucleotide variant.
Coding change: c.170T>C on transcript NM_000111.3 (MANE Select); coding-DNA position 170, T replaced by C.
Protein change: p.Leu57Ser; replaces leucine 57 with serine.
Molecular consequence: missense variant.
Genome position (GRCh38, 1-based): chr7:107,793,843, A>G on the plus strand (T>C on the coding strand, the complement: SLC26A3 is on the minus strand). VCF-style: chr7-107793843-A-G. GRCh37 (hg19) VCF-style: chr7-107434288-A-G.
Other names: short protein forms L57S.
Identifiers: ClinVar variation 1476857 (VCV001476857.1), dbSNP rs2115885987, ClinGen allele CA368854270.

ClinVar aggregate classification (germline): Uncertain significance (1 of 4 stars; one submission).

Submission:

Labcorp Genetics (formerly Invitae), Labcorp
Classification: Uncertain significance. Last evaluated: 2021-08-09. Review status: criteria provided, single submitter. Criteria: Invitae Variant Classification Sherloc (09022015). Collection method: clinical testing. Allele origin: germline.
Comment: This sequence change replaces leucine with serine at codon 57 of the SLC26A3 protein (p.Leu57Ser). The leucine residue is moderately conserved and there is a large physicochemical difference between leucine and serine. This variant is not present in population databases (ExAC no frequency). This variant has not been reported in the literature in individuals affected with SLC26A3-related conditions. Advanced modeling of protein sequence and biophysical properties (such as structural, functional, and spatial information, amino acid conservation, physicochemical variation, residue mobility, and thermodynamic stability) performed at Invitae indicates that this missense variant is not expected to disrupt SLC26A3 protein function. In summary, the available evidence is currently insufficient to determine the role of this variant in disease. Therefore, it has been classified as a Variant of Uncertain Significance.